The following is an entry in ClinVar:

ClinVar aggregate classification (germline): Uncertain significance. Review status: criteria provided, multiple submitters, no conflicts (2 of 4 stars). 2 submissions from 2 submitters: Uncertain significance (2). Last evaluated 2025-09-14.

Conditions:
Neurofibromatosis, type 2 (SWNV). Also called: NF2-Related Schwannomatosis; SCHWANNOMATOSIS, VESTIBULAR; BILATERAL ACOUSTIC NEUROFIBROMATOSIS. Identifiers: Orphanet 637, MedGen C0027832, MONDO:0007039, OMIM 101000. Disease mechanism: loss of function.
Hereditary cancer-predisposing syndrome. Also called: Hereditary Cancer Syndrome; Neoplastic Syndromes, Hereditary; Hereditary neoplastic syndrome; Tumor predisposition. Identifiers: Orphanet 140162, MedGen C0027672, MeSH D009386, MONDO:0015356.

gnomAD v4.1: 5 of 1,588,092 alleles (0.00031%); highest among the groups gnomAD compares: African/African-American, 0.004%; no homozygotes.

Submissions (2):

Labcorp Genetics (formerly Invitae), Labcorp
Classification: Uncertain significance for Neurofibromatosis, type 2. Last evaluated: 2025-09-14. Review status: criteria provided, single submitter. Criteria: Invitae Variant Classification Sherloc (09022015). Collection method: clinical testing. Allele origin: germline.
Comment: This sequence change replaces isoleucine, which is neutral and non-polar, with valine, which is neutral and non-polar, at codon 5 of the NF2 protein (p.Ile5Val). This variant is present in population databases (no rsID available, gnomAD 0.005%). This variant has not been reported in the literature in individuals affected with NF2-related conditions. ClinVar contains an entry for this variant (Variation ID: 3879158). An algorithm developed to predict the effect of missense changes on protein structure and function (PolyPhen-2) suggests that this variant is likely to be tolerated. In summary, the available evidence is currently insufficient to determine the role of this variant in disease. Therefore, it has been classified as a Variant of Uncertain Significance.

Ambry Genetics
Classification: Uncertain significance for Hereditary cancer-predisposing syndrome. Last evaluated: 2024-12-31. Review status: criteria provided, single submitter. Criteria: Ambry Variant Classification Scheme 2023. Collection method: clinical testing. Allele origin: germline.
Comment: The p.I5V variant (also known as c.13A>G), located in coding exon 1 of the NF2 gene, results from an A to G substitution at nucleotide position 13. The isoleucine at codon 5 is replaced by valine, an amino acid with highly similar properties. This amino acid position is highly conserved in available vertebrate species. In addition, the in silico prediction for this alteration is inconclusive. Based on the available evidence, the clinical significance of this variant remains unclear.

NM_000268.4(NF2):c.13A>G (p.Ile5Val)

Gene: NF2 (NF2, moesin-ezrin-radixin like (MERLIN) tumor suppressor; plus strand). Cytogenetic location: 22q12.2.
Variant type: single nucleotide variant.
Coding change: c.13A>G on transcript NM_000268.4 (MANE Select); coding-DNA position 13, A replaced by G.
Protein change: p.Ile5Val; replaces isoleucine 5 with valine.
Molecular consequence: missense variant. On other transcripts: 5 prime UTR variant (4), non-coding transcript variant (1).
Genome position (GRCh38, 1-based): chr22:29,604,011, A>G. VCF-style: chr22-29604011-A-G. GRCh37 (hg19) VCF-style: chr22-30000000-A-G.
Other names: c.-218A>G (NM_001407053.1, NM_001407056.1); c.13A>G, p.Ile5Val (NM_001407054.1, NM_001407055.1, NM_001407057.1 and 15 more transcripts); c.-628A>G (NM_001407065.1); c.-244A>G (NM_001407067.1); short protein forms I5V.
Identifiers: ClinVar variation 3879158 (VCV003879158.2).